The following is an entry in ClinVar:

ClinVar aggregate classification (germline): Uncertain significance (1 of 4 stars; one submission).

Conditions:
Familial thoracic aortic aneurysm and aortic dissection (TAAD). Also called: Thoracic aortic aneurysms and dissections. Identifiers: Orphanet 91387, MedGen C4707243, MONDO:0019625.

Allele frequency attached by ClinVar (database versions not stated): TOPMed below 0.00001.

Submission:

Ambry Genetics
Classification: Uncertain significance for Familial thoracic aortic aneurysm and aortic dissection. Last evaluated: 2023-11-01. Review status: criteria provided, single submitter. Criteria: Ambry Variant Classification Scheme 2023. Collection method: clinical testing. Allele origin: germline.
Comment: The p.E22K variant (also known as c.64G>A), located in coding exon 1 of the SKI gene, results from a G to A substitution at nucleotide position 64. The glutamic acid at codon 22 is replaced by lysine, an amino acid with similar properties. This amino acid position is conserved. In addition, this alteration is predicted to be tolerated by in silico analysis. Since supporting evidence is limited at this time, the clinical significance of this alteration remains unclear.

NM_003036.4(SKI):c.64G>A (p.Glu22Lys)

Gene: SKI (SKI proto-oncogene; plus strand). Cytogenetic location: 1p36.33.
Variant type: single nucleotide variant.
Coding change: c.64G>A on transcript NM_003036.4 (MANE Select); coding-DNA position 64, G replaced by A.
Protein change: p.Glu22Lys; replaces glutamic acid 22 with lysine.
Molecular consequence: missense variant.
Genome position (GRCh38, 1-based): chr1:2,228,830, G>A. VCF-style: chr1-2228830-G-A. GRCh37 (hg19) VCF-style: chr1-2160269-G-A.
Other names: short protein forms E22K.
Identifiers: ClinVar variation 3223074 (VCV003223074.1), dbSNP rs766670389, ClinGen allele CA536332.